The following is an entry in ClinVar:

NM_001378964.1(CDON):c.2211C>T (p.Val737=)

Gene: CDON (cell adhesion associated, oncogene regulated; minus strand). Cytogenetic location: 11q24.2.
Variant type: single nucleotide variant.
Coding change: c.2211C>T on transcript NM_001378964.1 (MANE Select); coding-DNA position 2211, C replaced by T.
Protein change: p.Val737=; no amino-acid change (valine 737 retained).
Molecular consequence: synonymous variant.
Genome position (GRCh38, 1-based): chr11:125,997,358, G>A on the plus strand (C>T on the coding strand, the complement: CDON is on the minus strand). VCF-style: chr11-125997358-G-A. GRCh37 (hg19) VCF-style: chr11-125867253-G-A.
Other names: c.2211C>T, p.Val737= (NM_001243597.3, NM_016952.6).
Identifiers: ClinVar variation 3029514 (VCV003029514.2), dbSNP rs1484508740, ClinGen allele CA477491857.

ClinVar aggregate classification (germline): Likely benign (0 of 4 stars; one submission).

Conditions:
CDON-related disorder. Also called: CDON-related condition.

Allele frequency attached by ClinVar (database versions not stated): gnomAD exomes 0.00001.
gnomAD v4.1: 10 of 1,613,880 alleles (0.00062%); highest among the groups gnomAD compares: Non-Finnish European, 0.00085%; no homozygotes.

Submission:

PreventionGenetics, part of Exact Sciences
Classification: Likely benign for CDON-related condition. Last evaluated: 2022-10-19. Review status: no assertion criteria provided. Collection method: clinical testing. Allele origin: germline.
Comment: This variant is classified as likely benign based on ACMG/AMP sequence variant interpretation guidelines (Richards et al. 2015 PMID: 25741868, with internal and published modifications).